The following is an entry in ClinVar:

NM_017636.4(TRPM4):c.3641-19C>G

Gene: TRPM4 (transient receptor potential cation channel subfamily M member 4; plus strand). Cytogenetic location: 19q13.33.
Variant type: single nucleotide variant.
Coding change: c.3641-19C>G on transcript NM_017636.4 (MANE Select); 19 bases into the intron before coding-DNA position 3641, C replaced by G.
Molecular consequence: intron variant.
Genome position (GRCh38, 1-based): chr19:49,211,475, C>G. VCF-style: chr19-49211475-C-G. GRCh37 (hg19) VCF-style: chr19-49714732-C-G.
Other names: c.3206-19C>G (NM_001195227.2); c.2033-19C>G (NM_001321282.2); c.3296-19C>G (NM_001321281.2); c.3119-19C>G (NM_001321283.2); c.2579-19C>G (NM_001321285.2).
Identifiers: ClinVar variation 381216 (VCV000381216.26), dbSNP rs7256050, ClinGen allele CA9569997.

ClinVar aggregate classification (germline): Benign/Likely benign. Review status: criteria provided, multiple submitters, no conflicts (2 of 4 stars). 9 submissions from 9 submitters: Benign (6); Likely benign (1). 2 of the submissions do not count toward it. Last evaluated 2026-02-03.

Conditions:
Erythrokeratodermia variabilis et progressiva 6. Identifiers: MedGen C5193144, MONDO:0032801, OMIM 618531.
Progressive familial heart block type IB (PFHB1B). Identifiers: Orphanet 871, MedGen C1970298, MONDO:0011474, OMIM 604559.

Allele frequency attached by ClinVar (database versions not stated): gnomAD exomes 0.00420 and 0.00769; ExAC 0.00828; gnomAD 0.01687 and 0.01753; ESP Exome Variant Server 0.01822; TOPMed 0.01935; 1000 Genomes Project 0.02037; 1000 Genomes Project 30x 0.02124.
gnomAD v4.1: 8,921 of 1,614,002 alleles (0.55%); highest among the groups gnomAD compares: Middle Eastern, 6.3%; 141 homozygotes.

Submissions (9):

Labcorp Genetics (formerly Invitae), Labcorp
Classification: Benign for Progressive familial heart block type IB. Last evaluated: 2026-02-03. Review status: criteria provided, single submitter. Criteria: Invitae Variant Classification Sherloc (09022015). Collection method: clinical testing. Allele origin: germline.

Blueprint Genetics
Classification: Likely benign. Last evaluated: 2024-11-27. Review status: criteria provided, single submitter. Criteria: ACMG Guidelines, 2015. Collection method: clinical testing. Allele origin: germline.

Women's Health and Genetics/Laboratory Corporation of America, LabCorp
Classification: Benign. Last evaluated: 2024-01-22. Review status: criteria provided, single submitter. Criteria: LabCorp Variant Classification Summary - May 2015. Collection method: clinical testing. Allele origin: germline.

ARUP Laboratories, Molecular Genetics and Genomics, ARUP Laboratories
Classification: Benign. Last evaluated: 2021-11-09. Review status: criteria provided, single submitter. Criteria: ARUP Molecular Germline Variant Investigation Process 2021. Collection method: clinical testing. Allele origin: germline.

Fulgent Genetics
Classification: Benign for Progressive familial heart block type IB; Erythrokeratodermia variabilis et progressiva 6. Last evaluated: 2021-10-12. Review status: criteria provided, single submitter. Criteria: ACMG Guidelines, 2015. Collection method: clinical testing. Allele origin: unknown.

GeneDx
Classification: Benign. Last evaluated: 2016-10-25. Review status: criteria provided, single submitter. Criteria: GeneDx Variant Classification (06012015). Collection method: clinical testing. Allele origin: germline. Affected: yes.
Comment: This variant is considered likely benign or benign based on one or more of the following criteria: it is a conservative change, it occurs at a poorly conserved position in the protein, it is predicted to be benign by multiple in silico algorithms, and/or has population frequency not consistent with disease.

Breakthrough Genomics
Classification: Benign. Review status: criteria provided, single submitter. Criteria: ACMG Guidelines, 2015. Collection method: not provided. Allele origin: germline. Inheritance: Autosomal dominant inheritance. Affected: yes.

Clinical Genetics, Academic Medical Center
Classification: Benign. Review status: no assertion criteria provided. Collection method: clinical testing. Allele origin: germline. Affected: yes. Study: VKGL Data-share Consensus. Not counted in ClinVar's aggregate classification.

Joint Genome Diagnostic Labs from Nijmegen and Maastricht, Radboudumc and MUMC+
Classification: Likely benign. Review status: no assertion criteria provided. Collection method: clinical testing. Allele origin: germline. Affected: yes. Study: VKGL Data-share Consensus. Not counted in ClinVar's aggregate classification.